The following is an entry in ClinVar:

NM_177438.3(DICER1):c.3171A>C (p.Ile1057=)

Gene: DICER1 (dicer 1, ribonuclease III; minus strand). Cytogenetic location: 14q32.13.
Variant type: single nucleotide variant.
Coding change: c.3171A>C on transcript NM_177438.3 (MANE Select); coding-DNA position 3171, A replaced by C.
Protein change: p.Ile1057=; no amino-acid change (isoleucine 1057 retained).
Molecular consequence: synonymous variant. On other transcripts: non-coding transcript variant (6).
Genome position (GRCh38, 1-based): chr14:95,105,169, T>G on the plus strand (A>C on the coding strand, the complement: DICER1 is on the minus strand). VCF-style: chr14-95105169-T-G. GRCh37 (hg19) VCF-style: chr14-95571506-T-G.
Other names: c.3171A>C, p.Ile1057= (NM_001195573.1, NM_001271282.3, NM_001291628.2 and 12 more transcripts); c.2889A>C, p.Ile963= (NM_001395686.1); c.2766A>C, p.Ile922= (NM_001395687.1, NM_001395688.1, NM_001395689.1 and 2 more transcripts); c.2604A>C, p.Ile868= (NM_001395691.1); c.1488A>C, p.Ile496= (NM_001395697.1).
Identifiers: ClinVar variation 4085755 (VCV004085755.8).
Genomic context (GRCh38, chr14:95,105,169, plus strand): 5'-ATCGCTGGCAGTCTGGGCTCTTAGCTCCTCTGCAGTCAAAAGGCAGTGAAGGCGATAAAG[T>G]ATGCTGGGGAGACAAACAGCTTTTCTCCACAGTGATGCTGGAATTGGATGTATAGCACAG-3'
Protein context (NP_803187.1, residues 1047-1067): LWRKAVCLPS[Ile1057=]LYRLHCLLTA

ClinVar aggregate classification (germline): Likely benign (1 of 4 stars; one submission).

Submission:

CeGaT Center for Human Genetics Tuebingen
Classification: Likely benign. Last evaluated: 2025-08-01. Review status: criteria provided, single submitter. Criteria: CeGaT Center For Human Genetics Tuebingen Variant Classification Criteria Version 2. Collection method: clinical testing. Allele origin: germline. Affected: yes. Observed: 1 variant allele.
Comment: DICER1: PM2:Supporting, BP4, BP7